The following is an entry in ClinVar:

ClinVar aggregate classification (germline): Likely benign (1 of 4 stars; one submission).

gnomAD v4.1: 581 of 1,613,912 alleles (0.036%); highest among the groups gnomAD compares: Non-Finnish European, 0.046%; no homozygotes.

Submission:

CeGaT Center for Human Genetics Tuebingen
Classification: Likely benign. Last evaluated: 2025-02-01. Review status: criteria provided, single submitter. Criteria: CeGaT Center For Human Genetics Tuebingen Variant Classification Criteria Version 2. Collection method: clinical testing. Allele origin: germline. Affected: yes. Observed: 1 variant allele.
Comment: TNPO2: BP4, BP7

NM_001382241.1(TNPO2):c.1566C>T (p.Thr522=)

Gene: TNPO2 (transportin 2; minus strand). Cytogenetic location: 19p13.13.
Variant type: single nucleotide variant.
Coding change: c.1566C>T on transcript NM_001382241.1 (MANE Select); coding-DNA position 1566, C replaced by T.
Protein change: p.Thr522=; no amino-acid change (threonine 522 retained).
Molecular consequence: synonymous variant. On other transcripts: non-coding transcript variant (6).
Genome position (GRCh38, 1-based): chr19:12,706,298, G>A on the plus strand (C>T on the coding strand, the complement: TNPO2 is on the minus strand). VCF-style: chr19-12706298-G-A. GRCh37 (hg19) VCF-style: chr19-12817112-G-A.
Other names: c.1566C>T, p.Thr522= (NM_001382238.1, NM_001382239.1, NM_001382240.1 and 7 more transcripts).
Identifiers: ClinVar variation 3771469 (VCV003771469.13).